The following is an entry in ClinVar:

NM_000094.4(COL7A1):c.6181-4del

Gene: COL7A1 (collagen type VII alpha 1 chain; minus strand). Cytogenetic location: 3p21.31.
Variant type: Deletion.
Coding change: c.6181-4del on transcript NM_000094.4 (MANE Select); 4 bases into the intron before coding-DNA position 6181, one base deleted (T; older notation c.6181-4delT).
Molecular consequence: intron variant.
Genome position (GRCh38, 1-based): chr3:48,575,246, A deleted on the plus strand (T on the coding strand, the reverse complement: COL7A1 is on the minus strand); the first of 3 consecutive A bases (chr3:48,575,246-48,575,248); deleting any one gives the same sequence. VCF-style (leftmost placement, unchanged base first): chr3-48575245-GA-G. GRCh37 (hg19) VCF-style: chr3-48612678-GA-G.
Identifiers: ClinVar variation 1181263 (VCV001181263.6), dbSNP rs2044209233, ClinGen allele CA1363082695.

ClinVar aggregate classification (germline): Conflicting classifications of pathogenicity. Review status: criteria provided, conflicting classifications (1 of 4 stars). 3 submissions from 3 submitters: Likely pathogenic (1); Uncertain significance (1); Likely benign (1). Last evaluated 2025-04-01.

Submissions (3):

Labcorp Genetics (formerly Invitae), Labcorp
Classification: Likely pathogenic. Last evaluated: 2025-04-01. Review status: criteria provided, single submitter. Criteria: Invitae Variant Classification Sherloc (09022015). Collection method: clinical testing. Allele origin: germline.
Comment: This sequence change falls in intron 73 of the COL7A1 gene. It does not directly change the encoded amino acid sequence of the COL7A1 protein. This variant is not present in population databases (gnomAD no frequency). This variant has been observed in individual(s) with autosomal recessive dystrophic epidermolysis bullosa (internal data). In at least one individual the data is consistent with being in trans (on the opposite chromosome) from a pathogenic variant. ClinVar contains an entry for this variant (Variation ID: 1181263). Algorithms developed to predict the effect of sequence changes on RNA splicing suggest that this variant may disrupt the consensus splice site. In summary, the currently available evidence indicates that the variant is pathogenic, but additional data are needed to prove that conclusively. Therefore, this variant has been classified as Likely Pathogenic.

Blueprint Genetics
Classification: Uncertain significance. Last evaluated: 2021-06-01. Review status: criteria provided, single submitter. Criteria: ACMG Guidelines, 2015. Collection method: clinical testing. Allele origin: germline.

GeneDx
Classification: Likely benign. Last evaluated: 2019-11-14. Review status: criteria provided, single submitter. Criteria: GeneDx Variant Classification Process June 2021. Collection method: clinical testing. Allele origin: germline. Affected: yes.
Comment: Not observed in large population cohorts (Lek et al., 2016); In silico analysis, which includes splice predictors and evolutionary conservation, supports that this variant does not alter protein structure/function; Nucleotide substitution has no predicted effect on splicing and is not conserved across species; Has not been previously published as pathogenic or benign to our knowledge